The following is an entry in ClinVar:

NM_032520.5(GNPTG):c.514C>T (p.His172Tyr)

Gene: GNPTG (N-acetylglucosamine-1-phosphate transferase subunit gamma; plus strand). Cytogenetic location: 16p13.3.
Variant type: single nucleotide variant.
Coding change: c.514C>T on transcript NM_032520.5 (MANE Select); coding-DNA position 514, C replaced by T.
Protein change: p.His172Tyr; replaces histidine 172 with tyrosine.
Molecular consequence: missense variant.
Genome position (GRCh38, 1-based): chr16:1,362,308, C>T. VCF-style: chr16-1362308-C-T. GRCh37 (hg19) VCF-style: chr16-1412309-C-T.
Other names: c.514C>T (NM_032520.4); short protein forms H172Y.
Identifiers: ClinVar variation 2043154 (VCV002043154.2), dbSNP rs998330228, ClinGen allele CA276657750.

ClinVar aggregate classification (germline): Uncertain significance. Review status: criteria provided, multiple submitters, no conflicts (2 of 4 stars). 2 submissions from 2 submitters: Uncertain significance (2). Last evaluated 2025-06-29.

Conditions:
Inborn genetic diseases. Identifiers: MedGen C0950123, MeSH D030342.

Allele frequency attached by ClinVar (database versions not stated): gnomAD 0.00001; TOPMed 0.00002.
gnomAD v4.1: 5 of 1,612,904 alleles (0.00031%); highest among the groups gnomAD compares: African/African-American, 0.0013%; no homozygotes.

Submissions (2):

Ambry Genetics
Classification: Uncertain significance for Inborn genetic diseases. Last evaluated: 2025-06-29. Review status: criteria provided, single submitter. Criteria: Ambry Variant Classification Scheme 2023. Collection method: clinical testing. Allele origin: germline.

Labcorp Genetics (formerly Invitae), Labcorp
Classification: Uncertain significance. Last evaluated: 2022-03-15. Review status: criteria provided, single submitter. Criteria: Invitae Variant Classification Sherloc (09022015). Collection method: clinical testing. Allele origin: germline.
Comment: This sequence change replaces histidine, which is basic and polar, with tyrosine, which is neutral and polar, at codon 172 of the GNPTG protein (p.His172Tyr). This variant is not present in population databases (gnomAD no frequency). This variant has not been reported in the literature in individuals affected with GNPTG-related conditions. Algorithms developed to predict the effect of missense changes on protein structure and function are either unavailable or do not agree on the potential impact of this missense change (SIFT: "Deleterious"; PolyPhen-2: "Probably Damaging"; Align-GVGD: "Class C0"). In summary, the available evidence is currently insufficient to determine the role of this variant in disease. Therefore, it has been classified as a Variant of Uncertain Significance.